The following is an entry in ClinVar:

ClinVar aggregate classification (germline): Conflicting classifications of pathogenicity. Review status: criteria provided, conflicting classifications (1 of 4 stars). 2 submissions from 2 submitters: Uncertain significance (1); Likely benign (1). Last evaluated 2023-03-23.

Conditions:
Hereditary cancer-predisposing syndrome. Also called: Tumor predisposition; Neoplastic Syndromes, Hereditary; Hereditary Cancer Syndrome; Hereditary neoplastic syndrome. Identifiers: Orphanet 140162, MedGen C0027672, MeSH D009386, MONDO:0015356.
Hereditary breast ovarian cancer syndrome. Also called: Hereditary breast and ovarian cancer syndrome (HBOC); Breast and ovarian cancer; BRCA1- and BRCA2-Associated Hereditary Breast and Ovarian Cancer; Hereditary breast and ovarian cancer; Hereditary breast and ovarian cancer syndrome; Hereditary breast and/or ovarian cancer syndrome. Identifiers: Orphanet 145, MedGen C0677776, MeSH D061325, MONDO:0003582. Disease mechanism: loss of function.

Allele frequency attached by ClinVar (database versions not stated): gnomAD exomes below 0.00001.
gnomAD v4.1: 2 of 1,566,002 alleles (0.00013%); highest among the groups gnomAD compares: South Asian, 0.0012%; no homozygotes.

Submissions (2):

University of Washington Department of Laboratory Medicine, University of Washington
Classification: Likely benign for Hereditary cancer-predisposing syndrome. Last evaluated: 2023-03-23. Review status: criteria provided, single submitter. Criteria: Dines et al. (Genet Med. 2020). Collection method: curation. Allele origin: germline.
Comment: Missense variant in a coldspot region where missense variants are very unlikely to be pathogenic (PMID:31911673).

BRCA2 exon 11 coldspot. Reclassification based on statistical prior probability.

Labcorp Genetics (formerly Invitae), Labcorp
Classification: Uncertain significance for Hereditary breast ovarian cancer syndrome. Last evaluated: 2021-09-21. Review status: criteria provided, single submitter. Criteria: Invitae Variant Classification Sherloc (09022015). Collection method: clinical testing. Allele origin: germline.
Comment: Advanced modeling of protein sequence and biophysical properties (such as structural, functional, and spatial information, amino acid conservation, physicochemical variation, residue mobility, and thermodynamic stability) performed at Invitae indicates that this missense variant is not expected to disrupt BRCA2 protein function. In summary, the available evidence is currently insufficient to determine the role of this variant in disease. Therefore, it has been classified as a Variant of Uncertain Significance. This variant has not been reported in the literature in individuals affected with BRCA2-related conditions. This sequence change replaces glutamic acid with lysine at codon 1307 of the BRCA2 protein (p.Glu1307Lys). The glutamic acid residue is weakly conserved and there is a small physicochemical difference between glutamic acid and lysine. This variant is not present in population databases (ExAC no frequency).

NM_000059.4(BRCA2):c.3919G>A (p.Glu1307Lys)

Gene: BRCA2 (BRCA2 DNA repair associated; plus strand). Cytogenetic location: 13q13.1.
Variant type: single nucleotide variant.
Coding change: c.3919G>A on transcript NM_000059.4 (MANE Select); coding-DNA position 3919, G replaced by A.
Protein change: p.Glu1307Lys; replaces glutamic acid 1307 with lysine.
Molecular consequence: missense variant.
Genome position (GRCh38, 1-based): chr13:32,338,274, G>A. VCF-style: chr13-32338274-G-A. GRCh37 (hg19) VCF-style: chr13-32912411-G-A.
Other names: short protein forms E1307K.
Identifiers: ClinVar variation 1380693 (VCV001380693.7), dbSNP rs2137501256, ClinGen allele CA387778820.